The following is an entry in ClinVar:

NM_000388.4(CASR):c.1235C>T (p.Thr412Met)

Gene: CASR (calcium sensing receptor; plus strand). Cytogenetic location: 3q21.1.
Variant type: single nucleotide variant.
Coding change: c.1235C>T on transcript NM_000388.4 (MANE Select); coding-DNA position 1235, C replaced by T.
Protein change: p.Thr412Met; replaces threonine 412 with methionine.
Molecular consequence: missense variant.
Genome position (GRCh38, 1-based): chr3:122,262,270, C>T. VCF-style: chr3-122262270-C-T. GRCh37 (hg19) VCF-style: chr3-121981117-C-T.
Other names: c.1235C>T, p.Thr412Met (NM_001178065.2); short protein forms T412M.
Identifiers: ClinVar variation 641702 (VCV000641702.10), dbSNP rs1473520699, ClinGen allele CA354152886.

ClinVar aggregate classification (germline): Uncertain significance. Review status: criteria provided, multiple submitters, no conflicts (2 of 4 stars). 2 submissions from 2 submitters: Uncertain significance (2). Last evaluated 2024-01-09.

Conditions:
Familial hypocalciuric hypercalcemia (FHH). Also called: Familial benign hypercalcemia. Identifiers: Orphanet 405, MedGen C1809471, MONDO:0018458.
Autosomal dominant hypocalcemia 1 (HYPOC1). Also called: HYPOCALCEMIA, FAMILIAL. Identifiers: MedGen C3715128, MONDO:0011013, OMIM 601198.
Nephrolithiasis/nephrocalcinosis. Identifiers: MedGen CN580796.

Allele frequency attached by ClinVar (database versions not stated): TOPMed below 0.00001; gnomAD exomes below 0.00001 and 0.00001; gnomAD 0.00002.
gnomAD v4.1: 7 of 1,614,064 alleles (0.00043%); highest among the groups gnomAD compares: African/African-American, 0.0027%; no homozygotes.

Submissions (2):

Labcorp Genetics (formerly Invitae), Labcorp
Classification: Uncertain significance for Familial hypocalciuric hypercalcemia; Autosomal dominant hypocalcemia 1. Last evaluated: 2024-01-09. Review status: criteria provided, single submitter. Criteria: Invitae Variant Classification Sherloc (09022015). Collection method: clinical testing. Allele origin: germline.
Comment: This sequence change replaces threonine, which is neutral and polar, with methionine, which is neutral and non-polar, at codon 412 of the CASR protein (p.Thr412Met). This variant is present in population databases (no rsID available, gnomAD 0.008%). This variant has not been reported in the literature in individuals affected with CASR-related conditions. ClinVar contains an entry for this variant (Variation ID: 641702). An algorithm developed to predict the effect of missense changes on protein structure and function (PolyPhen-2) suggests that this variant is likely to be disruptive. In summary, the available evidence is currently insufficient to determine the role of this variant in disease. Therefore, it has been classified as a Variant of Uncertain Significance.

Ambry Genetics
Classification: Uncertain significance for Nephrolithiasis/nephrocalcinosis. Last evaluated: 2022-03-16. Review status: criteria provided, single submitter. Criteria: Ambry Variant Classification Scheme 2023. Collection method: clinical testing. Allele origin: germline.
Comment: The p.T412M variant (also known as c.1235C>T), located in coding exon 3 of the CASR gene, results from a C to T substitution at nucleotide position 1235. The threonine at codon 412 is replaced by methionine, an amino acid with similar properties. This amino acid position is conserved. In addition, the in silico prediction for this alteration is inconclusive. Since supporting evidence is limited at this time, the clinical significance of this alteration remains unclear.